The following is an entry in ClinVar:

ClinVar aggregate classification (germline): Benign/Likely benign. Review status: criteria provided, multiple submitters, no conflicts (2 of 4 stars). 5 submissions from 5 submitters: Benign (1); Likely benign (3). 1 of the submissions does not count toward it. Last evaluated 2026-01-29.

Conditions:
ATP13A2-related disorder. Also called: ATP13A2-related disorders; ATP13A2-related condition.
Autosomal recessive spastic paraplegia type 78. Identifiers: Orphanet 513436, MedGen C5567893, MONDO:0014975, OMIM 617225.
Kufor-Rakeb syndrome (KRS). Also called: PARKINSON DISEASE 9, AUTOSOMAL RECESSIVE, JUVENILE-ONSET. Identifiers: Orphanet 306674, Orphanet 314632, MedGen C1847640, MONDO:0011706, OMIM 606693.
Inborn genetic diseases. Identifiers: MedGen C0950123, MeSH D030342.

Allele frequency attached by ClinVar (database versions not stated): gnomAD below 0.00001 and 0.00008; TOPMed 0.00002; gnomAD exomes 0.00024 and 0.00046; ExAC 0.00047; 1000 Genomes Project 0.00060; 1000 Genomes Project 30x 0.00062.
gnomAD v4.1: 357 of 1,614,130 alleles (0.022%); highest among the groups gnomAD compares: South Asian, 0.37%; 6 homozygotes.

Submissions (5):

Labcorp Genetics (formerly Invitae), Labcorp
Classification: Benign for Kufor-Rakeb syndrome; Autosomal recessive spastic paraplegia type 78. Last evaluated: 2026-01-29. Review status: criteria provided, single submitter. Criteria: Invitae Variant Classification Sherloc (09022015). Collection method: clinical testing. Allele origin: germline.

Blueprint Genetics
Classification: Likely benign. Last evaluated: 2024-11-26. Review status: criteria provided, single submitter. Criteria: ACMG Guidelines, 2015. Collection method: clinical testing. Allele origin: germline.

Fulgent Genetics
Classification: Likely benign for Kufor-Rakeb syndrome; Autosomal recessive spastic paraplegia type 78. Last evaluated: 2021-10-19. Review status: criteria provided, single submitter. Criteria: ACMG Guidelines, 2015. Collection method: clinical testing. Allele origin: unknown.

Ambry Genetics
Classification: Likely benign for Inborn genetic diseases. Last evaluated: 2017-04-03. Review status: criteria provided, single submitter. Criteria: Ambry Variant Classification Scheme 2023. Collection method: clinical testing. Allele origin: germline.

PreventionGenetics, part of Exact Sciences
Classification: Likely benign for ATP13A2-related condition. Last evaluated: 2019-09-05. Review status: no assertion criteria provided. Collection method: clinical testing. Allele origin: germline. Not counted in ClinVar's aggregate classification.
Comment: This variant is classified as likely benign based on ACMG/AMP sequence variant interpretation guidelines (Richards et al. 2015 PMID: 25741868, with internal and published modifications).

NM_022089.4(ATP13A2):c.2151C>T (p.Ser717=)

Gene: ATP13A2 (ATPase cation transporting 13A2; minus strand). Cytogenetic location: 1p36.13.
Variant type: single nucleotide variant.
Coding change: c.2151C>T on transcript NM_022089.4 (MANE Select); coding-DNA position 2151, C replaced by T.
Protein change: p.Ser717=; no amino-acid change (serine 717 retained).
Molecular consequence: synonymous variant.
Genome position (GRCh38, 1-based): chr1:16,991,834, G>A on the plus strand (C>T on the coding strand, the complement: ATP13A2 is on the minus strand). VCF-style: chr1-16991834-G-A. GRCh37 (hg19) VCF-style: chr1-17318329-G-A.
Other names: c.2136C>T, p.Ser712= (NM_001141973.3, NM_001141974.3); c.2151C>T (NM_022089.3).
Identifiers: ClinVar variation 590119 (VCV000590119.16), dbSNP rs544545629, ClinGen allele CA636948.